The following is an entry in ClinVar:

ClinVar aggregate classification (germline): Pathogenic (1 of 4 stars; one submission).

Submission:

Labcorp Genetics (formerly Invitae), Labcorp
Classification: Pathogenic. Last evaluated: 2021-06-15. Review status: criteria provided, single submitter. Criteria: Invitae Variant Classification Sherloc (09022015). Collection method: clinical testing. Allele origin: germline.
Comment: For these reasons, this variant has been classified as Pathogenic. Algorithms developed to predict the effect of sequence changes on RNA splicing suggest that this variant may create or strengthen a splice site, but this prediction has not been confirmed by published transcriptional studies. This sequence change creates a premature translational stop signal (p.Gly1481Alafs*66) in the AHDC1 gene. It is expected to result in an absent or disrupted protein product. Loss-of-function variants in AHDC1 are known to be pathogenic (PMID: 24791903, 27148574). This variant is not present in population databases (ExAC no frequency). This variant has not been reported in the literature in individuals with AHDC1-related conditions.

Literature cited by the submitters: PubMed 24791903; PubMed 27148574.

NM_001371928.1(AHDC1):c.4442del (p.Gly1481fs)

Gene: AHDC1 (AT-hook DNA binding motif containing 1; minus strand). Cytogenetic location: 1p36.11.
Variant type: Deletion.
Coding change: c.4442del on transcript NM_001371928.1 (MANE Select); coding-DNA position 4442, one base deleted (G; older notation c.4442delG).
Protein change: p.Gly1481fs; shifts the reading frame from glycine 1481.
Molecular consequence: frameshift variant.
Genome position (GRCh38, 1-based): chr1:27,547,674, C deleted on the plus strand (G on the coding strand, the reverse complement: AHDC1 is on the minus strand); the first of 2 consecutive C bases (chr1:27,547,674-27,547,675); deleting either gives the same sequence. VCF-style (leftmost placement, unchanged base first): chr1-27547673-GC-G. GRCh37 (hg19) VCF-style: chr1-27874184-GC-G.
Other names: c.4442del, p.Gly1481fs (NM_001029882.3); short protein forms G1481fs.
Identifiers: ClinVar variation 1456392 (VCV001456392.6), dbSNP rs2148258030, ClinGen allele CA2573132350.